The following is an entry in ClinVar:

NM_001212.4(C1QBP):c.526G>C (p.Asp176His)

Gene: C1QBP (complement C1q binding protein; minus strand). Cytogenetic location: 17p13.2.
Variant type: single nucleotide variant.
Coding change: c.526G>C on transcript NM_001212.4 (MANE Select); coding-DNA position 526, G replaced by C.
Protein change: p.Asp176His; replaces aspartic acid 176 with histidine.
Molecular consequence: missense variant.
Genome position (GRCh38, 1-based): chr17:5,433,719, C>G on the plus strand (G>C on the coding strand, the complement: C1QBP is on the minus strand). VCF-style: chr17-5433719-C-G. GRCh37 (hg19) VCF-style: chr17-5337039-C-G.
Other names: c.526G>C (NM_001212.3); short protein forms D176H.
Identifiers: ClinVar variation 1572887 (VCV001572887.10), dbSNP rs148953107, ClinGen allele CA8325254.
Genomic context (GRCh38, chr17:5,433,719, plus strand): 5'-TCCTGCATACCTCATCCTCTGGATAATGACAGTCCAACACAAGGGCCTTCTTGCCATCAT[C>G]ATTCTTTATAACTTCAACCACGAAATTGGGAGTTGATGTCAGTTCAGGCTGGGGAAACAA-3'
Protein context (NP_001203.1, residues 166-186): PNFVVEVIKN[Asp176His]DGKKALVLDC

ClinVar aggregate classification (germline): Likely benign. Review status: criteria provided, multiple submitters, no conflicts (2 of 4 stars). 3 submissions from 3 submitters: Likely benign (2). 1 of the submissions does not count toward it. Last evaluated 2026-01-06.

Conditions:
C1QBP-related disorder. Also called: C1QBP-related condition.

Allele frequency attached by ClinVar (database versions not stated): ExAC 0.00049; gnomAD 0.00011; 1000 Genomes Project 30x 0.00031; TOPMed 0.00032; 1000 Genomes Project 0.00020; gnomAD exomes 0.00075.

Submissions (3):

Labcorp Genetics (formerly Invitae), Labcorp
Classification: Likely benign. Last evaluated: 2026-01-06. Review status: criteria provided, single submitter. Criteria: Invitae Variant Classification Sherloc (09022015). Collection method: clinical testing. Allele origin: germline.

Breakthrough Genomics
Classification: Likely benign. Review status: criteria provided, single submitter. Criteria: ACMG Guidelines, 2015. Collection method: not provided. Allele origin: germline. Inheritance: Autosomal recessive inheritance. Affected: yes.

PreventionGenetics, part of Exact Sciences
Classification: Likely benign for C1QBP-related condition. Last evaluated: 2023-12-11. Review status: no assertion criteria provided. Collection method: clinical testing. Allele origin: germline. Not counted in ClinVar's aggregate classification.
Comment: This variant is classified as likely benign based on ACMG/AMP sequence variant interpretation guidelines (Richards et al. 2015 PMID: 25741868, with internal and published modifications).